The following is an entry in ClinVar:

NM_000478.6(ALPL):c.931G>A (p.Glu311Lys)

Gene: ALPL (alkaline phosphatase, biomineralization associated; plus strand). Cytogenetic location: 1p36.12.
Variant type: single nucleotide variant.
Coding change: c.931G>A on transcript NM_000478.6 (MANE Select); coding-DNA position 931, G replaced by A.
Protein change: p.Glu311Lys; replaces glutamic acid 311 with lysine.
Molecular consequence: missense variant.
Genome position (GRCh38, 1-based): chr1:21,573,733, G>A. VCF-style: chr1-21573733-G-A. GRCh37 (hg19) VCF-style: chr1-21900226-G-A.
Other names: c.931G>A (NM_000478.5); c.766G>A, p.Glu256Lys (NM_001127501.4); c.700G>A, p.Glu234Lys (NM_001177520.3); c.931G>A, p.Glu311Lys (NM_001369803.2, NM_001369804.2, NM_001369805.2); short protein forms E256K, E311K, E234K.
Identifiers: ClinVar variation 1436006 (VCV001436006.16), dbSNP rs763457259, ClinGen allele CA666685.

ClinVar aggregate classification (germline): Pathogenic/Likely pathogenic. Review status: criteria provided, multiple submitters, no conflicts (2 of 4 stars). 9 submissions from 9 submitters: Pathogenic (3); Likely pathogenic (6). Last evaluated 2025-11-18.

Conditions:
ALPL-related disorder. Also called: ALPL-related condition; ALPL-related disorders.
Infantile hypophosphatasia. Identifiers: Orphanet 247651, Orphanet 436, MedGen C0268412, MONDO:1010169, OMIM 241500, MONDO:0009427.
Hypophosphatasia. Also called: Phosphoethanol-aminuria. Identifiers: Orphanet 436, MedGen C0020630, MeSH D007014, MONDO:0018570.
Adult hypophosphatasia. Identifiers: Orphanet 247676, Orphanet 436, MedGen C0268413, MONDO:1010154, OMIM 146300, MONDO:0007798.
Childhood hypophosphatasia. Identifiers: Orphanet 247667, Orphanet 436, MedGen C0220743, MONDO:1010168, OMIM 241510, MONDO:0009428.

Allele frequency attached by ClinVar (database versions not stated): ExAC 0.00001; gnomAD 0.00001; TOPMed 0.00002.
gnomAD v4.1: 17 of 1,613,986 alleles (0.0011%); highest among the groups gnomAD compares: Middle Eastern, 0.033%; no homozygotes.

Submissions (9):

Labcorp Genetics (formerly Invitae), Labcorp
Classification: Pathogenic. Last evaluated: 2025-11-18. Review status: criteria provided, single submitter. Criteria: Invitae Variant Classification Sherloc (09022015). Collection method: clinical testing. Allele origin: germline.
Comment: This sequence change replaces glutamic acid, which is acidic and polar, with lysine, which is basic and polar, at codon 311 of the ALPL protein (p.Glu311Lys). This variant is present in population databases (rs763457259, gnomAD 0.004%). This missense change has been observed in individual(s) with hypophosphatasia (PMID: 12815606, 25731960). In at least one individual the data is consistent with being in trans (on the opposite chromosome) from a pathogenic variant. This variant is also known as E294K. ClinVar contains an entry for this variant (Variation ID: 1436006). Invitae Evidence Modeling of protein sequence and biophysical properties (such as structural, functional, and spatial information, amino acid conservation, physicochemical variation, residue mobility, and thermodynamic stability) indicates that this missense variant is expected to disrupt ALPL protein function with a positive predictive value of 95%. For these reasons, this variant has been classified as Pathogenic.

Genomenon, Inc
Classification: Pathogenic for Hypophosphatasia. Last evaluated: 2025-08-29. Review status: criteria provided, single submitter. Criteria: Genomenon Sequence Variant Interpretation Standards. Collection method: curation. Allele origin: germline. Affected: yes.
Comment: ALPL c.931G>A is a missense variant that changes the amino acid at residue 311 from Glutamic acid to Lysine. This variant has been observed in at least one proband affected with hypophosphatasia (PMID:25731960;12815606). At least one functional study has demonstrated a substantial alteration in protein function relative to the wild-type (PMID:32160374). This variant has been described as Glu294Lys in the literature. It is absent or not present at a significant frequency in gnomAD. In silico models agree that this variant is possibly or probably damaging. In conclusion, we classify ALPL p.Glu311Lys (c.931G>A) as a pathogenic variant.

Women's Health and Genetics/Laboratory Corporation of America, LabCorp
Classification: Likely pathogenic for Hypophosphatasia. Last evaluated: 2025-02-18. Review status: criteria provided, single submitter. Criteria: LabCorp Variant Classification Summary - May 2015. Collection method: clinical testing. Allele origin: germline.
Comment: Variant summary: ALPL c.931G>A (p.Glu311Lys) results in a conservative amino acid change located in the Alkaline phosphatase (IPR001952) of the encoded protein sequence. Four of five in-silico tools predict a damaging effect of the variant on protein function. The variant was absent in 251218 control chromosomes. c.931G>A has been reported in the literature along with a second pathogenic variant in at-least one individual affected with autosomal recessive Hypophosphatasia (Spentchian_2003). At least one publication reports experimental evidence evaluating an impact on protein function. The most pronounced variant effect results in 4% of normal activity in vitro (DelAngel_2020). The following publications have been ascertained in the context of this evaluation (PMID: 34662886, 32160374, 12815606). ClinVar contains an entry for this variant (Variation ID: 1436006). Based on the evidence outlined above, the variant was classified as likely pathogenic.

Natera, Inc.
Classification: Likely pathogenic for Hypophosphatasia. Last evaluated: 2025-02-15. Review status: criteria provided, single submitter. Criteria: Natera Variant Classification Schema (03/2026). Collection method: clinical testing. Allele origin: germline.
Comment: The c.931G>A variant in ALPL is a missense variant predicted to cause substitution of glutamic acid to lysine at amino acid 311. This variant is rare in the general population with a frequency below the threshold expected for the associated phenotype(s). This variant has been observed in one or more individuals affected with the associated recessive disease, as either homozygous or compound heterozygous with a second variant (PMID: 32112990, 12815606, 32160374, 25731960). Functional studies show that this variant may disrupt protein function (PMID: 32160374). Computational prediction algorithms indicate this variant is likely to affect gene or protein function. Given the available evidence, this variant is classified as Likely Pathogenic.

Fulgent Genetics
Classification: Likely pathogenic for Adult hypophosphatasia; Infantile hypophosphatasia; Childhood hypophosphatasia. Last evaluated: 2024-03-19. Review status: criteria provided, single submitter. Criteria: ACMG Guidelines, 2015. Collection method: clinical testing. Allele origin: germline.

Blueprint Genetics
Classification: Likely pathogenic for ALPL-related disorders. Last evaluated: 2023-12-04. Review status: criteria provided, single submitter. Criteria: ACMG Guidelines, 2015. Collection method: clinical testing. Allele origin: germline. Affected: yes. Observed: 2 variant alleles.

Baylor Genetics
Classification: Likely pathogenic for Adult hypophosphatasia. Last evaluated: 2023-03-09. Review status: criteria provided, single submitter. Criteria: ACMG Guidelines, 2015. Collection method: clinical testing. Allele origin: unknown.

Laboratorio de Genetica e Diagnostico Molecular, Hospital Israelita Albert Einstein
Classification: Likely pathogenic for Infantile hypophosphatasia. Last evaluated: 2022-02-08. Review status: criteria provided, single submitter. Criteria: ACMG Guidelines, 2015. Collection method: clinical testing. Allele origin: germline. Affected: yes.
Comment: ACMG classification criteria: PS4 supporting, PM2 moderate, PM3 strong, PP3 supporting

Juno Genomics, Hangzhou Juno Genomics, Inc
Classification: Pathogenic for Adult hypophosphatasia; Childhood hypophosphatasia; Infantile hypophosphatasia. Review status: criteria provided, single submitter. Criteria: ACMG Guidelines, 2015. Collection method: clinical testing. Allele origin: germline.
Comment: Absent from controls (or at extremely low frequency if recessive) in Genome Aggregation Database.;Multiple lines of computational evidence support a deleterious effect on the gene or gene product.;For recessive disorders, detected in trans with a pathogenic variant.;Patient's phenotype or family history is highly specific for a disease with a single genetic etiology.

Literature cited by the submitters: PubMed 12815606 (cited by 4 submitters); PubMed 25731960 (cited by 3 submitters); PubMed 32160374 (cited by 3 submitters); PubMed 34662886 (cited by Women's Health and Genetics/Laboratory Corporation of America, LabCorp); PubMed 32112990 (cited by Natera, Inc.).